The following is an entry in ClinVar:

ClinVar aggregate classification (germline): Pathogenic (1 of 4 stars; one submission).

Conditions:
Neurofibromatosis, type 1 (NF1). Also called: NEUROFIBROMATOSIS, TYPE I, SOMATIC; Neurofibromatosis, type I; Peripheral type neurofibromatosis; VON RECKLINGHAUSEN DISEASE. Identifiers: Orphanet 636, MedGen C0027831, MONDO:0018975, OMIM 162200. Disease mechanism: loss of function.

Submission:

Labcorp Genetics (formerly Invitae), Labcorp
Classification: Pathogenic for Neurofibromatosis, type 1. Last evaluated: 2022-03-14. Review status: criteria provided, single submitter. Criteria: Invitae Variant Classification Sherloc (09022015). Collection method: clinical testing. Allele origin: germline.
Comment: This sequence change creates a premature translational stop signal (p.Pro678Leufs*22) in the NF1 gene. It is expected to result in an absent or disrupted protein product. Loss-of-function variants in NF1 are known to be pathogenic (PMID: 10712197, 23913538). This variant is not present in population databases (gnomAD no frequency). This variant has not been reported in the literature in individuals affected with NF1-related conditions. For these reasons, this variant has been classified as Pathogenic.

Literature cited by the submitters: PubMed 10712197; PubMed 23913538.

NM_001042492.3(NF1):c.2032_2033insT (p.Pro678fs)

Gene: NF1 (neurofibromin 1; plus strand). Cytogenetic location: 17q11.2.
Variant type: Insertion.
Coding change: c.2032_2033insT on transcript NM_001042492.3 (MANE Select); coding-DNA positions 2032 to 2033, T inserted.
Protein change: p.Pro678fs; shifts the reading frame from proline 678.
Molecular consequence: frameshift variant.
Genome position: GRCh38 VCF-style: chr17-31226465-C-CT. GRCh37 (hg19) VCF-style: chr17-29553483-C-CT.
Other names: c.2032_2033insT, p.Pro678Leufs (NM_000267.4); short protein forms P678fs.
Identifiers: ClinVar variation 2112066 (VCV002112066.4), dbSNP rs2508154644, ClinGen allele CA2580093136.